The following is an entry in ClinVar:

ClinVar aggregate classification (germline): Benign/Likely benign. Review status: criteria provided, multiple submitters, no conflicts (2 of 4 stars). 8 submissions from 7 submitters: Benign (6); Likely benign (2). Last evaluated 2026-02-04.

Conditions:
Lymphoma, non-Hodgkin, familial. Identifiers: MedGen C4721532, MONDO:0011508, OMIM 605027.
Familial hemophagocytic lymphohistiocytosis 2 (FHL2). Also called: PRF1-Related Familial Hemophagocytic Lymphohistiocytosis (PRF1-fHLH). Identifiers: Orphanet 540, MedGen C1863727, MONDO:0011337, OMIM 603553.
Autoinflammatory syndrome. Identifiers: Orphanet 93665, MedGen C3890737, MONDO:0019751.

Allele frequency attached by ClinVar (database versions not stated): gnomAD exomes 0.00124 and 0.00309; ExAC 0.00377; gnomAD 0.01181 and 0.01263; 1000 Genomes Project 0.01218; 1000 Genomes Project 30x 0.01265; ESP Exome Variant Server 0.01338; TOPMed 0.01348.

Submissions (8):

Labcorp Genetics (formerly Invitae), Labcorp
Classification: Benign for Familial hemophagocytic lymphohistiocytosis 2. Last evaluated: 2026-02-04. Review status: criteria provided, single submitter. Criteria: Invitae Variant Classification Sherloc (09022015). Collection method: clinical testing. Allele origin: germline.

KCCC/NGS Laboratory, Kuwait Cancer Control Center
Classification: Benign for Familial hemophagocytic lymphohistiocytosis 2. Last evaluated: 2025-02-01. Review status: criteria provided, single submitter. Criteria: ACMG Guidelines, 2015. Collection method: clinical testing. Allele origin: germline. Affected: no.

Mayo Clinic Laboratories, Mayo Clinic
Classification: Benign. Last evaluated: 2024-11-26. Review status: criteria provided, single submitter. Criteria: ACMG Guidelines, 2015. Collection method: clinical testing. Allele origin: germline. Observed: 8 variant alleles.
Comment: BS1, BS2, BP4, BP7

KCCC/NGS Laboratory, Kuwait Cancer Control Center
Classification: Benign for Lymphoma, non-Hodgkin, familial. Last evaluated: 2023-07-07. Review status: criteria provided, single submitter. Criteria: ACMG Guidelines, 2015. Collection method: clinical testing. Allele origin: germline. Affected: yes.

Genome Diagnostics Laboratory, The Hospital for Sick Children
Classification: Benign for Autoinflammatory syndrome. Last evaluated: 2021-11-04. Review status: criteria provided, single submitter. Criteria: ACMG Guidelines, 2015. Collection method: clinical testing. Allele origin: germline. Affected: yes.

Illumina Laboratory Services, Illumina
Classification: Benign for Familial hemophagocytic lymphohistiocytosis 2. Last evaluated: 2017-04-27. Review status: criteria provided, single submitter. Criteria: ICSL Variant Classification Criteria 13 December 2019. Collection method: clinical testing. Allele origin: germline.
Comment: This variant was observed as part of a predisposition screen in an ostensibly healthy population. A literature search was performed for the gene, cDNA change, and amino acid change (where applicable). Publications were found based on this search. The evidence from the literature, in combination with allele frequency data from public databases where available, was sufficient to rule this variant out of causing disease. Therefore, this variant is classified as benign.

Breakthrough Genomics
Classification: Likely benign. Review status: criteria provided, single submitter. Criteria: ACMG Guidelines, 2015. Collection method: not provided. Allele origin: germline. Inheritance: Autosomal recessive inheritance. Affected: yes.

PreventionGenetics, part of Exact Sciences
Classification: Likely benign. Review status: criteria provided, single submitter. Criteria: ACMG Guidelines, 2015. Collection method: clinical testing. Allele origin: germline.

Literature cited by the submitters: PubMed 16860143 (cited by Mayo Clinic Laboratories, Mayo Clinic and Illumina Laboratory Services, Illumina); PubMed 35835228 (cited by Mayo Clinic Laboratories, Mayo Clinic).

NM_001083116.3(PRF1):c.726C>T (p.Cys242=)

Gene: PRF1 (perforin 1; minus strand). Cytogenetic location: 10q22.1.
Variant type: single nucleotide variant.
Coding change: c.726C>T on transcript NM_001083116.3 (MANE Select); coding-DNA position 726, C replaced by T.
Protein change: p.Cys242=; no amino-acid change (cysteine 242 retained).
Molecular consequence: synonymous variant.
Genome position (GRCh38, 1-based): chr10:70,598,995, G>A on the plus strand (C>T on the coding strand, the complement: PRF1 is on the minus strand). VCF-style: chr10-70598995-G-A. GRCh37 (hg19) VCF-style: chr10-72358751-G-A.
Other names: p.Cys242=; c.726C>T (NM_005041.4); c.726C>T, p.Cys242= (NM_005041.6).
Identifiers: ClinVar variation 257406 (VCV000257406.23), dbSNP rs35329429, ClinGen allele CA5538932.
Genomic context (GRCh38, chr10:70,598,995, plus strand): 5'-GGCCTCGACAGTCAGGCAGTCCTCCACCTCGTTGTCCGTGAGCCCTTCCAGGGCCAGCTC[G>A]CAGGTGCGCAGGGCAGTGAGGGCCGATATGCGGCCACCCAGCTCCACAGCCCGGATGAAG-3'
Protein context (NP_001076585.1, residues 232-252): RISALTALRT[Cys242=]ELALEGLTDN